The following is an entry in ClinVar:

ClinVar aggregate classification (germline): Uncertain significance (1 of 4 stars; one submission).

Conditions:
Combined immunodeficiency due to DOCK8 deficiency (HIES2). Also called: HIES autosomal recessive; DOCK8 Deficiency; HYPER-IgE SYNDROME 2, AUTOSOMAL RECESSIVE, WITH RECURRENT INFECTIONS; Hyper-IgE recurrent infection syndrome, autosomal recessive; HYPER-IgE RECURRENT INFECTION SYNDROME 2, AUTOSOMAL RECESSIVE. Identifiers: Orphanet 217390, MedGen C4722305, MONDO:0009478, OMIM 243700.

gnomAD v4.1: 7 of 1,550,256 alleles (0.00045%); highest among the groups gnomAD compares: East Asian, 0.017%; no homozygotes.

Submission:

Labcorp Genetics (formerly Invitae), Labcorp
Classification: Uncertain significance for Combined immunodeficiency due to DOCK8 deficiency. Last evaluated: 2022-10-28. Review status: criteria provided, single submitter. Criteria: Invitae Variant Classification Sherloc (09022015). Collection method: clinical testing. Allele origin: germline.
Comment: This variant is present in population databases (no rsID available, gnomAD 0.08%). This sequence change replaces glutamine, which is neutral and polar, with glutamic acid, which is acidic and polar, at codon 51 of the DOCK8 protein (p.Gln51Glu). This variant has not been reported in the literature in individuals affected with DOCK8-related conditions. In summary, the available evidence is currently insufficient to determine the role of this variant in disease. Therefore, it has been classified as a Variant of Uncertain Significance. Advanced modeling of protein sequence and biophysical properties (such as structural, functional, and spatial information, amino acid conservation, physicochemical variation, residue mobility, and thermodynamic stability) performed at Invitae indicates that this missense variant is not expected to disrupt DOCK8 protein function.

NM_203447.4(DOCK8):c.151C>G (p.Gln51Glu)

Gene: DOCK8 (dedicator of cytokinesis 8; plus strand). Cytogenetic location: 9p24.3.
Variant type: single nucleotide variant.
Coding change: c.151C>G on transcript NM_203447.4 (MANE Select); coding-DNA position 151, C replaced by G.
Protein change: p.Gln51Glu; replaces glutamine 51 with glutamic acid.
Molecular consequence: missense variant.
Genome position (GRCh38, 1-based): chr9:271,724, C>G. VCF-style: chr9-271724-C-G. GRCh37 (hg19) VCF-style: chr9-271724-C-G.
Other names: short protein forms Q51E.
Identifiers: ClinVar variation 2787168 (VCV002787168.3), dbSNP rs1420962244, ClinGen allele CA372752452.